The following is an entry in ClinVar:

ClinVar aggregate classification (germline): Uncertain significance. Review status: criteria provided, multiple submitters, no conflicts (2 of 4 stars). 2 submissions from 2 submitters: Uncertain significance (2). Last evaluated 2026-07-02.

Conditions:
Cardiovascular phenotype. Identifiers: MedGen CN230736.
Congenital primary aphakia. Also called: ANTERIOR SEGMENT DYSGENESIS 2; Anterior segment dysgenesis 2, multiple subtypes. Identifiers: Orphanet 83461, MedGen C1853230, MONDO:0012456, OMIM 610256.
Anterior segment dysgenesis. Also called: Ocular anterior segment dysgenesis. Identifiers: Orphanet 88632, MedGen C1862839, MONDO:0019503, HP:0007700.

Allele frequency attached by ClinVar (database versions not stated): TOPMed 0.00003; gnomAD 0.00003.

Submissions (2):

Ambry Genetics
Classification: Uncertain significance for Cardiovascular phenotype. Last evaluated: 2026-07-02. Review status: criteria provided, single submitter. Criteria: Ambry Variant Classification Scheme 2023. Collection method: clinical testing. Allele origin: germline.

Labcorp Genetics (formerly Invitae), Labcorp
Classification: Uncertain significance for Anterior segment dysgenesis; Congenital primary aphakia. Last evaluated: 2022-03-01. Review status: criteria provided, single submitter. Criteria: Invitae Variant Classification Sherloc (09022015). Collection method: clinical testing. Allele origin: germline.
Comment: In summary, the available evidence is currently insufficient to determine the role of this variant in disease. Therefore, it has been classified as a Variant of Uncertain Significance. Algorithms developed to predict the effect of missense changes on protein structure and function are either unavailable or do not agree on the potential impact of this missense change (SIFT: "Deleterious"; PolyPhen-2: "Probably Damaging"; Align-GVGD: "Class C0"). This variant has not been reported in the literature in individuals affected with FOXE3-related conditions. This variant is not present in population databases (gnomAD no frequency). This sequence change replaces arginine, which is basic and polar, with cysteine, which is neutral and slightly polar, at codon 109 of the FOXE3 protein (p.Arg109Cys).

NM_012186.3(FOXE3):c.325C>T (p.Arg109Cys)

Genes: FOXE3 (forkhead box E3; plus strand), LINC01389 (long independently transcribed non-coding RNA 1389; minus strand). Cytogenetic location: 1p33.
Variant type: single nucleotide variant.
Coding change: c.325C>T on transcript NM_012186.3 (MANE Select); coding-DNA position 325, C replaced by T.
Protein change: p.Arg109Cys; replaces arginine 109 with cysteine.
Molecular consequence: missense variant.
Genome position (GRCh38, 1-based): chr1:47,416,640, C>T. VCF-style: chr1-47416640-C-T. GRCh37 (hg19) VCF-style: chr1-47882312-C-T.
Other names: c.325C>T (NM_012186.2); short protein forms R109C.
Identifiers: ClinVar variation 2158871 (VCV002158871.5), dbSNP rs780789649, ClinGen allele CA22068693.